The following is an entry in ClinVar:

ClinVar aggregate classification (germline): Uncertain significance (1 of 4 stars; one submission).

Allele frequency attached by ClinVar (database versions not stated): gnomAD exomes below 0.00001; TOPMed below 0.00001.

Submission:

Labcorp Genetics (formerly Invitae), Labcorp
Classification: Uncertain significance. Last evaluated: 2022-08-31. Review status: criteria provided, single submitter. Criteria: Invitae Variant Classification Sherloc (09022015). Collection method: clinical testing. Allele origin: germline.
Comment: This sequence change replaces arginine, which is basic and polar, with cysteine, which is neutral and slightly polar, at codon 16 of the PRCD protein (p.Arg16Cys). This variant is not present in population databases (gnomAD no frequency). This variant has not been reported in the literature in individuals affected with PRCD-related conditions. ClinVar contains an entry for this variant (Variation ID: 1346439). Algorithms developed to predict the effect of missense changes on protein structure and function (SIFT, PolyPhen-2, Align-GVGD) all suggest that this variant is likely to be disruptive. Algorithms developed to predict the effect of sequence changes on RNA splicing suggest that this variant may create or strengthen a splice site. In summary, the available evidence is currently insufficient to determine the role of this variant in disease. Therefore, it has been classified as a Variant of Uncertain Significance.

NM_001077620.3(PRCD):c.46C>T (p.Arg16Cys)

Genes: CYGB (cytoglobin; minus strand), PRCD (photoreceptor disc component; plus strand). Cytogenetic location: 17q25.1.
Variant type: single nucleotide variant.
Coding change: c.46C>T on transcript NM_001077620.3 (MANE Select); coding-DNA position 46, C replaced by T.
Protein change: p.Arg16Cys; replaces arginine 16 with cysteine.
Molecular consequence: missense variant.
Genome position (GRCh38, 1-based): chr17:76,540,187, C>T. VCF-style: chr17-76540187-C-T. GRCh37 (hg19) VCF-style: chr17-74536269-C-T.
Other names: short protein forms R16C.
Identifiers: ClinVar variation 1346439 (VCV001346439.3), dbSNP rs1567910847, ClinGen allele CA401180945.